The following is an entry in ClinVar:

ClinVar aggregate classification (germline): Uncertain significance (1 of 4 stars; one submission).

Conditions:
Chuvash polycythemia. Also called: POLYCYTHEMIA, VHL-DEPENDENT. Identifiers: Orphanet 238557, MedGen C1837915, MONDO:0009892, OMIM 263400.
Von Hippel-Lindau syndrome (VHLS). Also called: VHL syndrome; von Hippel–Lindau syndrome; Von Hippel-Lindau. Identifiers: Orphanet 892, MedGen C0019562, MONDO:0008667, OMIM 193300. Disease mechanism: loss of function.

Submission:

Labcorp Genetics (formerly Invitae), Labcorp
Classification: Uncertain significance for Von Hippel-Lindau syndrome; Chuvash polycythemia. Last evaluated: 2024-12-21. Review status: criteria provided, single submitter. Criteria: Invitae Variant Classification Sherloc (09022015). Collection method: clinical testing. Allele origin: germline.
Comment: This sequence change falls in intron 1 of the VHL gene. It is not expected to change the encoded amino acid sequence of the VHL protein. However, this sequence change falls within a cryptic exon in the VHL gene, known as exon E1’, which is naturally expressed at low levels in several human tissues (PMID: 29891534). This variant is not present in population databases (gnomAD no frequency). This variant has not been reported in the literature in individuals affected with VHL-related conditions. Algorithms developed to predict the effect of sequence changes on RNA splicing suggest that this variant is not likely to affect RNA splicing. In summary, the available evidence is currently insufficient to determine the role of this variant in disease. Therefore, it has been classified as a Variant of Uncertain Significance.

Literature cited by the submitters: PubMed 29891534.

NM_000551.4(VHL):c.340+829C>A

Genes: VHL (von Hippel-Lindau tumor suppressor; plus strand), LOC107303340 (3p25 von Hippel-Lindau tumor suppressor, E3 ubiquitin protein ligase Alu-mediated recombination region; plus strand). Cytogenetic location: 3p25.3.
Variant type: single nucleotide variant.
Coding change: c.340+829C>A on transcript NM_000551.4 (MANE Select); 829 bases into the intron after coding-DNA position 340, C replaced by A.
Molecular consequence: intron variant. On other transcripts: 3 prime UTR variant (1), non-coding transcript variant (1).
Genome position (GRCh38, 1-based): chr3:10,143,016, C>A. VCF-style: chr3-10143016-C-A. GRCh37 (hg19) VCF-style: chr3-10184700-C-A.
Other names: c.*12C>A (NM_001354723.2); c.340+829C>A (NM_198156.3).
Identifiers: ClinVar variation 3752067 (VCV003752067.2).